The following is an entry in ClinVar:

NM_001384474.1(LOXHD1):c.3673A>G (p.Ser1225Gly)

Gene: LOXHD1 (lipoxygenase homology PLAT domains 1; minus strand). Cytogenetic location: 18q21.1.
Variant type: single nucleotide variant.
Coding change: c.3673A>G on transcript NM_001384474.1 (MANE Select); coding-DNA position 3673, A replaced by G.
Protein change: p.Ser1225Gly; replaces serine 1225 with glycine.
Molecular consequence: missense variant.
Genome position (GRCh38, 1-based): chr18:46,542,802, T>C on the plus strand (A>G on the coding strand, the complement: LOXHD1 is on the minus strand). VCF-style: chr18-46542802-T-C. GRCh37 (hg19) VCF-style: chr18-44122765-T-C.
Other names: c.340A>G, p.Ser114Gly (NM_001145472.3); c.52A>G, p.Ser18Gly (NM_001308013.2); c.3673A>G, p.Ser1225Gly (NM_144612.7); short protein forms S1225G, S114G, S18G.
Identifiers: ClinVar variation 163913 (VCV000163913.20), dbSNP rs370149278, ClinGen allele CA176630.

ClinVar aggregate classification (germline): Conflicting classifications of pathogenicity. Review status: criteria provided, conflicting classifications (1 of 4 stars). 6 submissions from 6 submitters: Uncertain significance (4); Likely benign (1). 1 of the submissions does not count toward it. Last evaluated 2026-01-12.

Conditions:
LOXHD1-related disorder. Also called: LOXHD1-related condition.
Inborn genetic diseases. Identifiers: MedGen C0950123, MeSH D030342.
Autosomal recessive nonsyndromic hearing loss 77. Identifiers: Orphanet 90636, MedGen C2746083, MONDO:0013119, OMIM 613079.

Allele frequency attached by ClinVar (database versions not stated): gnomAD exomes 0.00008 and 0.00018; ExAC 0.00045; gnomAD 0.00088 and 0.00103; TOPMed 0.00110; ESP Exome Variant Server 0.00197.
gnomAD v4.1: 253 of 1,551,724 alleles (0.016%); highest among the groups gnomAD compares: African/African-American, 0.31%; no homozygotes.

Submissions (6):

Labcorp Genetics (formerly Invitae), Labcorp
Classification: Likely benign. Last evaluated: 2026-01-12. Review status: criteria provided, single submitter. Criteria: Invitae Variant Classification Sherloc (09022015). Collection method: clinical testing. Allele origin: germline.

Blueprint Genetics
Classification: Uncertain significance. Last evaluated: 2023-11-20. Review status: criteria provided, single submitter. Criteria: ACMG Guidelines, 2015. Collection method: clinical testing. Allele origin: germline.

Ambry Genetics
Classification: Uncertain significance for Inborn genetic diseases. Last evaluated: 2022-01-10. Review status: criteria provided, single submitter. Criteria: Ambry Variant Classification Scheme 2023. Collection method: clinical testing. Allele origin: germline.

Illumina Laboratory Services, Illumina
Classification: Uncertain significance for Autosomal recessive nonsyndromic hearing loss 77. Last evaluated: 2018-01-12. Review status: criteria provided, single submitter. Criteria: ICSL Variant Classification Criteria 13 December 2019. Collection method: clinical testing. Allele origin: germline.

Laboratory for Molecular Medicine, Mass General Brigham Personalized Medicine
Classification: Uncertain significance. Last evaluated: 2013-06-07. Review status: criteria provided, single submitter. Criteria: LMM Criteria. Collection method: clinical testing. Allele origin: germline. Observed: 1 variant allele.
Comment: Variant classified as Uncertain Significance - Favor Benign. The Ser1225Gly vari ant in LOXHD1 has not been reported in individuals with hearing loss, but has be en identified in 0.6% (9/1384) of African American chromosomes by the NHLBI Exom e Sequencing Project. Although this variant has been seen in the general population, its frequency is not high enough to rul e out a pathogenic role. Computational analyses (biochemical amino acid properti es, conservation, AlignGVGD, PolyPhen2, and SIFT) do not provide strong support for or against an impact to the protein. In summary, the clinical significance o f this variant cannot be determined with certainty; however, based upon presence in the general population in the absence of any data to support a role in heari ng loss, we would lean towards a more likely benign role.

PreventionGenetics, part of Exact Sciences
Classification: Likely benign for LOXHD1-related condition. Last evaluated: 2023-06-12. Review status: no assertion criteria provided. Collection method: clinical testing. Allele origin: germline. Not counted in ClinVar's aggregate classification.
Comment: This variant is classified as likely benign based on ACMG/AMP sequence variant interpretation guidelines (Richards et al. 2015 PMID: 25741868, with internal and published modifications).